The following is an entry in ClinVar:

NM_001032283.3(TMPO):c.503CAG[1] (p.Ala169del)

Gene: TMPO (thymopoietin; plus strand). Cytogenetic location: 12q23.1.
Variant type: Microsatellite.
Coding change: c.503CAG[1] on transcript NM_001032283.3 (MANE Select); one copy of the 3-base unit CAG starting at c.503; the reference has two copies in a row; one copy, 3 bases deleted.
Protein change: p.Ala169del; deletes alanine 169.
Molecular consequence: inframe deletion.
Genome position (GRCh38, 1-based): chr12:98,531,779-98,531,781, CAG deleted; deleting any 3 consecutive bases within chr12:98,531,776-98,531,781 gives the same sequence; the position shown is the placement nearest the transcript's 3' end. VCF-style (leftmost placement, unchanged base first): chr12-98531775-TCAG-T. GRCh37 (hg19) VCF-style: chr12-98925553-TCAG-T.
Other names: c.503CAG[1], p.Ala169del (NM_001032284.3, NM_001307975.2, NM_003276.2); short protein forms A169del.
Identifiers: ClinVar variation 2825430 (VCV002825430.3), dbSNP rs2548501783, ClinGen allele CA2739272206.

ClinVar aggregate classification (germline): Uncertain significance (1 of 4 stars; one submission).

Conditions:
Loeys-Dietz syndrome 2 (LDS2). Also called: Marfan syndrome, type 2 (formerly); TGFBR2-Related Loeys-Dietz Syndrome; Marfan Syndrome type 2; Marfan like connective tissue disorder; MFS 2; MARFAN SYNDROME, TYPE II. Identifiers: Orphanet 284973, Orphanet 558, MedGen C2674574, MONDO:0012427, OMIM 610168.

Submission:

Labcorp Genetics (formerly Invitae), Labcorp
Classification: Uncertain significance for Loeys-Dietz syndrome 2. Last evaluated: 2022-12-31. Review status: criteria provided, single submitter. Criteria: Invitae Variant Classification Sherloc (09022015). Collection method: clinical testing. Allele origin: germline.
Comment: In summary, the available evidence is currently insufficient to determine the role of this variant in disease. Therefore, it has been classified as a Variant of Uncertain Significance. Experimental studies and prediction algorithms are not available or were not evaluated, and the functional significance of this variant is currently unknown. This variant has not been reported in the literature in individuals affected with TMPO-related conditions. This variant is not present in population databases (gnomAD no frequency). This variant, c.506_508del, results in the deletion of 1 amino acid(s) of the TMPO protein (p.Ala169del), but otherwise preserves the integrity of the reading frame.